The following is an entry in ClinVar:

NM_001127511.3(APC):c.-170G>A

Gene: APC (APC regulator of Wnt signaling pathway; plus strand). Cytogenetic location: 5q22.2.
Variant type: single nucleotide variant.
Coding change: c.-170G>A on transcript NM_001127511.3; 170 bases upstream of the start codon, G replaced by A.
Molecular consequence: 5 prime UTR variant. On other transcripts: non-coding transcript variant (2).
Genome position (GRCh38, 1-based): chr5:112,707,548, G>A. VCF-style: chr5-112707548-G-A. GRCh37 (hg19) VCF-style: chr5-112043245-G-A.
Other names: c.-120G>A (NM_001407457.1, NM_001407458.1, NM_001407448.1 and 1 more transcripts); c.-353G>A (NM_001407460.1, NM_001407469.1, NM_001354895.2 and 3 more transcripts); c.-1388G>A (NM_001407470.1, NM_001407472.1); c.-170G>A (NM_001354897.2, NM_001354902.2, NM_001407446.1); c.-144G>A (NM_001407453.1).
Identifiers: ClinVar variation 1063744 (VCV001063744.7), dbSNP rs1000470082, ClinGen allele CA802057053.

ClinVar aggregate classification (germline): Uncertain significance (1 of 4 stars; one submission).

Conditions:
Familial adenomatous polyposis 1 (FAP1). Also called: FAMILIAL ADENOMATOUS POLYPOSIS 1, ATTENUATED; POLYPOSIS, ADENOMATOUS INTESTINAL. Identifiers: MedGen C2713442, MONDO:0021056, OMIM 175100. Disease mechanism: loss of function.

Allele frequency attached by ClinVar (database versions not stated): gnomAD exomes below 0.00001.

Submission:

Labcorp Genetics (formerly Invitae), Labcorp
Classification: Uncertain significance for Familial adenomatous polyposis 1. Last evaluated: 2025-08-11. Review status: criteria provided, single submitter. Criteria: Invitae Variant Classification Sherloc (09022015). Collection method: clinical testing. Allele origin: germline.
Comment: This variant occurs in a non-coding region of the APC gene. It does not change the encoded amino acid sequence of the APC protein. This variant is not present in population databases (gnomAD no frequency). This variant has not been reported in the literature in individuals affected with APC-related conditions. Experimental studies and prediction algorithms are not available or were not evaluated, and the functional significance of this variant is currently unknown. In summary, the available evidence is currently insufficient to determine the role of this variant in disease. Therefore, it has been classified as a Variant of Uncertain Significance.